The following is an entry in ClinVar:

NM_020975.6(RET):c.3280A>G (p.Ser1094Gly)

Gene: RET (ret proto-oncogene; plus strand). Cytogenetic location: 10q11.21.
Variant type: single nucleotide variant.
Coding change: c.3280A>G on transcript NM_020975.6 (MANE Select); coding-DNA position 3280, A replaced by G.
Protein change: p.Ser1094Gly; replaces serine 1094 with glycine.
Molecular consequence: missense variant.
Genome position (GRCh38, 1-based): chr10:43,128,204, A>G. VCF-style: chr10-43128204-A-G. GRCh37 (hg19) VCF-style: chr10-43623652-A-G.
Other names: short protein forms S1094G.
Identifiers: ClinVar variation 1016923 (VCV001016923.12), dbSNP rs1171787901, ClinGen allele CA376559121.
Genomic context (GRCh38, chr10:43,128,204, plus strand): 5'-CCTGTACCACTCACGAGAGCTGATGGCACTAACACTGGGTTTCCAAGATATCCAAATGAT[A>G]GTGTATATGCTAACTGGATGCTTTCACCCTCAGCGGCAAAATTAATGGACACGTTTGATA-3'
Protein context (NP_066124.1, residues 1084-1104): NTGFPRYPND[Ser1094Gly]VYANWMLSPS

ClinVar aggregate classification (germline): Uncertain significance. Review status: criteria provided, multiple submitters, no conflicts (2 of 4 stars). 3 submissions from 3 submitters: Uncertain significance (3). Last evaluated 2024-04-15.

Conditions:
Hereditary cancer-predisposing syndrome. Also called: Tumor predisposition; Neoplastic Syndromes, Hereditary; Hereditary neoplastic syndrome; Hereditary Cancer Syndrome. Identifiers: Orphanet 140162, MedGen C0027672, MeSH D009386, MONDO:0015356.
Multiple endocrine neoplasia, type 2 (MEN2). Identifiers: Orphanet 653, MedGen C4048306, MONDO:0019003. Disease mechanism: gain of function.

Allele frequency attached by ClinVar (database versions not stated): gnomAD exomes below 0.00001; gnomAD 0.00001.
gnomAD v4.1: 7 of 1,614,088 alleles (0.00043%); highest among the groups gnomAD compares: Non-Finnish European, 0.00017%; no homozygotes.

Submissions (3):

Labcorp Genetics (formerly Invitae), Labcorp
Classification: Uncertain significance for Multiple endocrine neoplasia, type 2. Last evaluated: 2024-04-15. Review status: criteria provided, single submitter. Criteria: Invitae Variant Classification Sherloc (09022015). Collection method: clinical testing. Allele origin: germline.
Comment: This sequence change replaces serine, which is neutral and polar, with glycine, which is neutral and non-polar, at codon 1094 of the RET protein (p.Ser1094Gly). This variant is present in population databases (no rsID available, gnomAD 0.004%). This variant has not been reported in the literature in individuals affected with RET-related conditions. ClinVar contains an entry for this variant (Variation ID: 1016923). An algorithm developed to predict the effect of missense changes on protein structure and function (PolyPhen-2) suggests that this variant is likely to be disruptive. Algorithms developed to predict the effect of sequence changes on RNA splicing suggest that this variant may create or strengthen a splice site. In summary, the available evidence is currently insufficient to determine the role of this variant in disease. Therefore, it has been classified as a Variant of Uncertain Significance.

All of Us Research Program, National Institutes of Health
Classification: Uncertain significance for Multiple endocrine neoplasia, type 2. Last evaluated: 2023-07-07. Review status: criteria provided, single submitter. Criteria: ACMG Guidelines, 2015. Collection method: clinical testing. Allele origin: germline. Inheritance: Autosomal dominant inheritance. Observed: 1 variant allele, 1 heterozygote.
Comment: This study involves interpretation of variants in research participants for the purpose of population health screening. Participant phenotype was not available at the time of variant classification. Additional details can be found in publication PMID: 35346344, PMCID: PMC8962531

Ambry Genetics
Classification: Uncertain significance for Hereditary cancer-predisposing syndrome. Last evaluated: 2022-05-12. Review status: criteria provided, single submitter. Criteria: Ambry Variant Classification Scheme 2023. Collection method: clinical testing. Allele origin: germline.
Comment: The p.S1094G variant (also known as c.3280A>G), located in coding exon 20 of the RET gene, results from an A to G substitution at nucleotide position 3280. The serine at codon 1094 is replaced by glycine, an amino acid with similar properties. This amino acid position is highly conserved in available vertebrate species. In addition, the in silico prediction for this alteration is inconclusive. Since supporting evidence is limited at this time, the clinical significance of this alteration remains unclear.